The following is an entry in ClinVar:

NM_000257.4(MYH7):c.4190_4192del (p.Leu1397del)

Gene: MYH7 (myosin heavy chain 7; minus strand). Cytogenetic location: 14q11.2.
Variant type: Deletion.
Coding change: c.4190_4192del on transcript NM_000257.4 (MANE Select); coding-DNA positions 4190 to 4192, 3 bases deleted (TGC; older notation c.4190_4192delTGC).
Protein change: p.Leu1397del; deletes leucine 1397.
Molecular consequence: inframe deletion.
Genome position (GRCh38, 1-based): chr14:23,417,664-23,417,666, GCA deleted on the plus strand (TGC on the coding strand, the reverse complement: MYH7 is on the minus strand); deleting any 3 consecutive bases within chr14:23,417,664-23,417,668 gives the same sequence; the c. name uses the placement nearest the transcript's 3' end. VCF-style (leftmost placement, unchanged base first): chr14-23417663-TGCA-T. GRCh37 (hg19) VCF-style: chr14-23886872-TGCA-T.
Other names: c.4190_4192del (LRG_384t1); short protein forms L1397del.
Identifiers: ClinVar variation 181365 (VCV000181365.5), dbSNP rs730880891, ClinGen allele CA014612.

ClinVar aggregate classification (germline): Uncertain significance. Review status: criteria provided, multiple submitters, no conflicts (2 of 4 stars). 2 submissions from 2 submitters: Uncertain significance (2). Last evaluated 2023-10-25.

Conditions:
Hypertrophic cardiomyopathy. Also called: HYPERTROPHIC MYOCARDIOPATHY. Identifiers: Orphanet 217569, MedGen C0007194, MeSH D002312, MONDO:0005045, HP:0001639.

Submissions (2):

Labcorp Genetics (formerly Invitae), Labcorp
Classification: Uncertain significance for Hypertrophic cardiomyopathy. Last evaluated: 2023-10-25. Review status: criteria provided, single submitter. Criteria: Invitae Variant Classification Sherloc (09022015). Collection method: clinical testing. Allele origin: germline.
Comment: This variant, c.4190_4192del, results in the deletion of 1 amino acid(s) of the MYH7 protein (p.Leu1397del), but otherwise preserves the integrity of the reading frame. This variant is not present in population databases (gnomAD no frequency). This variant has not been reported in the literature in individuals affected with MYH7-related conditions. ClinVar contains an entry for this variant (Variation ID: 181365). Experimental studies and prediction algorithms are not available or were not evaluated, and the functional significance of this variant is currently unknown. In summary, the available evidence is currently insufficient to determine the role of this variant in disease. Therefore, it has been classified as a Variant of Uncertain Significance.

GeneDx
Classification: Uncertain significance. Last evaluated: 2016-07-12. Review status: criteria provided, single submitter. Criteria: GeneDx Variant Classification (06012015). Collection method: clinical testing. Allele origin: germline. Affected: yes.
Comment: This variant was published once in a case report of a newborn with minor dsymorphic features, and ECG andechocardiography findings consistent with left ventricular noncompaction cardiomyopathy (Greenfield et al., 2016). The c.4190_4192delTGC variant causes an in-frame deletion of a Leucine amino acid at position 1397. The L1397 residue is completely conserved across species in a well-conserved region. The c.4190_4192delTGC variant was not observed in approximately 6,500 individuals of European and African American ancestry in the NHLBI Exome Sequencing Project, indicating it is not a common benign variant in these populations. Several other published in-frame deletions (c.4048_4050delGAG, c.4522_4524delGAG) have been reported in the Human Gene Mutation Database in association with MYH7-related disorder (Stenson et al., 2014). Nevertheless, this variant lacks observation in a significant number of affected individuals, segregation data, and functional evidence, which would further clarify its pathogenicity.